The following is an entry in ClinVar:

ClinVar aggregate classification (germline): Uncertain significance. Review status: criteria provided, multiple submitters, no conflicts (2 of 4 stars). 2 submissions from 2 submitters: Uncertain significance (2). Last evaluated 2024-12-03.

Submissions (2):

Ambry Genetics
Classification: Uncertain significance. Last evaluated: 2024-12-03. Review status: criteria provided, single submitter. Criteria: Ambry Variant Classification Scheme 2023. Collection method: clinical testing. Allele origin: germline.

GeneDx
Classification: Uncertain significance. Last evaluated: 2024-11-18. Review status: criteria provided, single submitter. Criteria: GeneDx Variant Classification Process June 2021. Collection method: clinical testing. Allele origin: germline. Affected: yes.
Comment: Not observed at significant frequency in large population cohorts (gnomAD); In silico analysis indicates that this missense variant does not alter protein structure/function; Has not been previously published as pathogenic or benign to our knowledge

NM_001001331.4(ATP2B2):c.875G>A (p.Gly292Asp)

Gene: ATP2B2 (ATPase plasma membrane Ca2+ transporting 2; minus strand). Cytogenetic location: 3p25.3.
Variant type: single nucleotide variant.
Coding change: c.875G>A on transcript NM_001001331.4 (MANE Select); coding-DNA position 875, G replaced by A.
Protein change: p.Gly292Asp; replaces glycine 292 with aspartic acid.
Molecular consequence: missense variant.
Genome position (GRCh38, 1-based): chr3:10,388,309, C>T on the plus strand (G>A on the coding strand, the complement: ATP2B2 is on the minus strand). VCF-style: chr3-10388309-C-T. GRCh37 (hg19) VCF-style: chr3-10429993-C-T.
Other names: c.875G>A, p.Gly292Asp (NM_001330611.3, NM_001353564.1, NM_001363862.1 and 1 more transcripts); short protein forms G292D.
Identifiers: ClinVar variation 3456832 (VCV003456832.2).